The following is an entry in ClinVar:

NM_014363.6(SACS):c.4867G>A (p.Asp1623Asn)

Gene: SACS (sacsin molecular chaperone; minus strand). Cytogenetic location: 13q12.12.
Variant type: single nucleotide variant.
Coding change: c.4867G>A on transcript NM_014363.6 (MANE Select); coding-DNA position 4867, G replaced by A.
Protein change: p.Asp1623Asn; replaces aspartic acid 1623 with asparagine.
Molecular consequence: missense variant.
Genome position (GRCh38, 1-based): chr13:23,339,009, C>T on the plus strand (G>A on the coding strand, the complement: SACS is on the minus strand). VCF-style: chr13-23339009-C-T. GRCh37 (hg19) VCF-style: chr13-23913148-C-T.
Other names: c.4426G>A, p.Asp1476Asn (NM_001278055.2); short protein forms D1476N, D1623N.
Identifiers: ClinVar variation 3669454 (VCV003669454.2).

ClinVar aggregate classification (germline): Uncertain significance (1 of 4 stars; one submission).

Conditions:
Spastic paraplegia. Identifiers: MedGen C0037772, HP:0001258.

Submission:

Labcorp Genetics (formerly Invitae), Labcorp
Classification: Uncertain significance for Spastic paraplegia. Last evaluated: 2026-01-12. Review status: criteria provided, single submitter. Criteria: Invitae Variant Classification Sherloc (09022015). Collection method: clinical testing. Allele origin: germline.
Comment: This sequence change replaces aspartic acid, which is acidic and polar, with asparagine, which is neutral and polar, at codon 1623 of the SACS protein (p.Asp1623Asn). This variant is not present in population databases (gnomAD no frequency). This variant has not been reported in the literature in individuals affected with SACS-related conditions. ClinVar contains an entry for this variant (Variation ID: 3669454). Invitae Evidence Modeling of protein sequence and biophysical properties (such as structural, functional, and spatial information, amino acid conservation, physicochemical variation, residue mobility, and thermodynamic stability) indicates that this missense variant is not expected to disrupt SACS protein function with a negative predictive value of 95%. In summary, the available evidence is currently insufficient to determine the role of this variant in disease. Therefore, it has been classified as a Variant of Uncertain Significance.